The following is an entry in ClinVar:

NM_015065.3(EXPH5):c.4285G>T (p.Ala1429Ser)

Gene: EXPH5 (exophilin 5; minus strand). Cytogenetic location: 11q22.3.
Variant type: single nucleotide variant.
Coding change: c.4285G>T on transcript NM_015065.3 (MANE Select); coding-DNA position 4285, G replaced by T.
Protein change: p.Ala1429Ser; replaces alanine 1429 with serine.
Molecular consequence: missense variant.
Genome position (GRCh38, 1-based): chr11:108,511,222, C>A on the plus strand (G>T on the coding strand, the complement: EXPH5 is on the minus strand). VCF-style: chr11-108511222-C-A. GRCh37 (hg19) VCF-style: chr11-108381949-C-A.
Other names: c.4057G>T, p.Ala1353Ser (NM_001144763.2); c.3817G>T, p.Ala1273Ser (NM_001144764.2); c.3721G>T, p.Ala1241Ser (NM_001144765.2); c.4264G>T, p.Ala1422Ser (NM_001308019.2); short protein forms A1241S, A1273S, A1353S, A1422S, A1429S.
Identifiers: ClinVar variation 3363940 (VCV003363940.2).

ClinVar aggregate classification (germline): Uncertain significance. Review status: criteria provided, multiple submitters, no conflicts (2 of 4 stars). 2 submissions from 2 submitters: Uncertain significance (2). Last evaluated 2025-10-03.

Conditions:
Inborn genetic diseases. Identifiers: MedGen C0950123, MeSH D030342.

gnomAD v4.1: 10 of 1,613,256 alleles (0.00062%); highest among the groups gnomAD compares: Admixed American, 0.017%; no homozygotes.

Submissions (2):

Ambry Genetics
Classification: Uncertain significance for Inborn genetic diseases. Last evaluated: 2025-10-03. Review status: criteria provided, single submitter. Criteria: Ambry Variant Classification Scheme 2023. Collection method: clinical testing. Allele origin: germline.

GeneDx
Classification: Uncertain significance. Last evaluated: 2023-11-05. Review status: criteria provided, single submitter. Criteria: GeneDx Variant Classification Process June 2021. Collection method: clinical testing. Allele origin: germline. Affected: yes.
Comment: Has not been previously published as pathogenic or benign to our knowledge; In silico analysis supports that this missense variant does not alter protein structure/function